The following is an entry in ClinVar:

NM_033641.4(COL4A6):c.2299G>C (p.Gly767Arg)

Gene: COL4A6 (collagen type IV alpha 6 chain; minus strand). Cytogenetic location: Xq22.3.
Variant type: single nucleotide variant.
Coding change: c.2299G>C on transcript NM_033641.4 (MANE Select); coding-DNA position 2299, G replaced by C.
Protein change: p.Gly767Arg; replaces glycine 767 with arginine.
Molecular consequence: missense variant.
Genome position (GRCh38, 1-based): chrX:108,179,271, C>G on the plus strand (G>C on the coding strand, the complement: COL4A6 is on the minus strand). VCF-style: chrX-108179271-C-G. GRCh37 (hg19) VCF-style: chrX-107422501-C-G.
Other names: c.2350G>C, p.Gly784Arg (NM_001287758.2); c.2299G>C, p.Gly767Arg (NM_001287759.2, NM_001287760.2, NM_001440760.1); c.2302G>C, p.Gly768Arg (NM_001440759.1, NM_001847.4); short protein forms G768R, G767R, G784R.
Identifiers: ClinVar variation 4987632 (VCV004987632.1).

ClinVar aggregate classification (germline): Uncertain significance (1 of 4 stars; one submission).

Conditions:
COL4A6-related disorder. Also called: COL4A6-related condition.

gnomAD v4.1: 6 of 1,209,371 alleles (0.0005%); highest among the groups gnomAD compares: Admixed American, 0.013%; no homozygotes.

Submission:

PreventionGenetics, part of Exact Sciences
Classification: Uncertain significance for COL4A6-related condition. Last evaluated: 2025-01-17. Review status: criteria provided, single submitter. Criteria: ACMG Guidelines, 2015. Collection method: clinical testing. Allele origin: germline.
Comment: The COL4A6 c.2302G>C variant is predicted to result in the amino acid substitution p.Gly768Arg. To our knowledge, this variant has not been reported in the literature. This variant is reported in 0.018% of alleles in individuals of Latino descent in gnomAD. Although we suspect that this variant may be benign, at this time, the clinical significance of this variant is uncertain due to the absence of conclusive functional and genetic evidence.